The following is an entry in ClinVar:

ClinVar aggregate classification (germline): Likely benign (1 of 4 stars; one submission).

Allele frequency attached by ClinVar (database versions not stated): gnomAD exomes 0.00002; ExAC 0.00009.
gnomAD v4.1: 26 of 1,600,506 alleles (0.0016%); highest among the groups gnomAD compares: South Asian, 0.023%; no homozygotes.

Submission:

CeGaT Center for Human Genetics Tuebingen
Classification: Likely benign. Last evaluated: 2022-12-01. Review status: criteria provided, single submitter. Criteria: CeGaT Center For Human Genetics Tuebingen Variant Classification Criteria Version 2. Collection method: clinical testing. Allele origin: germline. Affected: yes. Observed: 1 variant allele.
Comment: POLG2: BP4, BP7

NM_007215.4(POLG2):c.1233T>C (p.Ile411=)

Genes: MILR1 (mast cell immunoglobulin like receptor 1; plus strand), POLG2 (DNA polymerase gamma 2, accessory subunit; minus strand). Cytogenetic location: 17q23.3.
Variant type: single nucleotide variant.
Coding change: c.1233T>C on transcript NM_007215.4 (MANE Select); coding-DNA position 1233, T replaced by C.
Protein change: p.Ile411=; no amino-acid change (isoleucine 411 retained).
Molecular consequence: synonymous variant.
Genome position (GRCh38, 1-based): chr17:64,480,348, A>G on the plus strand (T>C on the coding strand, the complement: POLG2 is on the minus strand). VCF-style: chr17-64480348-A-G. GRCh37 (hg19) VCF-style: chr17-62476465-A-G.
Identifiers: ClinVar variation 2648097 (VCV002648097.24), dbSNP rs782792486, ClinGen allele CA8712796.